The following is an entry in ClinVar:

NM_003737.4(DCHS1):c.6233G>T (p.Arg2078Leu)

Gene: DCHS1 (dachsous cadherin-related 1; minus strand). Cytogenetic location: 11p15.4.
Variant type: single nucleotide variant.
Coding change: c.6233G>T on transcript NM_003737.4 (MANE Select); coding-DNA position 6233, G replaced by T.
Protein change: p.Arg2078Leu; replaces arginine 2078 with leucine.
Molecular consequence: missense variant.
Genome position (GRCh38, 1-based): chr11:6,626,806, C>A on the plus strand (G>T on the coding strand, the complement: DCHS1 is on the minus strand). VCF-style: chr11-6626806-C-A. GRCh37 (hg19) VCF-style: chr11-6648037-C-A.
Other names: short protein forms R2078L.
Identifiers: ClinVar variation 3715709 (VCV003715709.2).

ClinVar aggregate classification (germline): Uncertain significance (1 of 4 stars; one submission).

gnomAD v4.1: 11 of 1,612,220 alleles (0.00068%); highest among the groups gnomAD compares: African/African-American, 0.008%; no homozygotes.

Submission:

Labcorp Genetics (formerly Invitae), Labcorp
Classification: Uncertain significance. Last evaluated: 2024-04-25. Review status: criteria provided, single submitter. Criteria: Invitae Variant Classification Sherloc (09022015). Collection method: clinical testing. Allele origin: germline.
Comment: This sequence change replaces arginine, which is basic and polar, with leucine, which is neutral and non-polar, at codon 2078 of the DCHS1 protein (p.Arg2078Leu). This variant is present in population databases (rs144463486, gnomAD 0.01%). This variant has not been reported in the literature in individuals affected with DCHS1-related conditions. Advanced modeling of protein sequence and biophysical properties (such as structural, functional, and spatial information, amino acid conservation, physicochemical variation, residue mobility, and thermodynamic stability) performed at Invitae indicates that this missense variant is not expected to disrupt DCHS1 protein function with a negative predictive value of 80%. In summary, the available evidence is currently insufficient to determine the role of this variant in disease. Therefore, it has been classified as a Variant of Uncertain Significance.